The following is an entry in ClinVar:

NM_152783.5(D2HGDH):c.164G>C (p.Arg55Pro)

Genes: D2HGDH (D-2-hydroxyglutarate dehydrogenase; plus strand), LOC129936032 (ATAC-STARR-seq lymphoblastoid silent region 12559; plus strand). Cytogenetic location: 2q37.3.
Variant type: single nucleotide variant.
Coding change: c.164G>C on transcript NM_152783.5 (MANE Select); coding-DNA position 164, G replaced by C.
Protein change: p.Arg55Pro; replaces arginine 55 with proline.
Molecular consequence: missense variant. On other transcripts: 5 prime UTR variant (1), non-coding transcript variant (1), intron variant (1).
Genome position (GRCh38, 1-based): chr2:241,735,388, G>C. VCF-style: chr2-241735388-G-C. GRCh37 (hg19) VCF-style: chr2-242674803-G-C.
Other names: c.-381G>C (NM_001352824.2); c.-111+693G>C (NM_001287249.2); short protein forms R55P.
Identifiers: ClinVar variation 2982477 (VCV002982477.3), dbSNP rs77940364, ClinGen allele CA2221526.

ClinVar aggregate classification (germline): Uncertain significance (1 of 4 stars; one submission).

Conditions:
D-2-hydroxyglutaric aciduria 1 (D2HGA1). Identifiers: Orphanet 79315, MedGen C3152055, MONDO:0024554, OMIM 600721.

gnomAD v4.1: 1 of 1,589,888 alleles (0.000063%); highest among the groups gnomAD compares: South Asian, 0.0011%; no homozygotes.

Submission:

Labcorp Genetics (formerly Invitae), Labcorp
Classification: Uncertain significance for D-2-hydroxyglutaric aciduria 1. Last evaluated: 2023-06-25. Review status: criteria provided, single submitter. Criteria: Invitae Variant Classification Sherloc (09022015). Collection method: clinical testing. Allele origin: germline.
Comment: In summary, the available evidence is currently insufficient to determine the role of this variant in disease. Therefore, it has been classified as a Variant of Uncertain Significance. An algorithm developed to predict the effect of missense changes on protein structure and function (PolyPhen-2) suggests that this variant is likely to be tolerated. This variant has not been reported in the literature in individuals affected with D2HGDH-related conditions. This variant is present in population databases (rs77940364, gnomAD 0.004%). This sequence change replaces arginine, which is basic and polar, with proline, which is neutral and non-polar, at codon 55 of the D2HGDH protein (p.Arg55Pro).